The following is an entry in ClinVar:

ClinVar aggregate classification (germline): Benign/Likely benign. Review status: criteria provided, multiple submitters, no conflicts (2 of 4 stars). 5 submissions from 5 submitters: Benign (3); Likely benign (2). Last evaluated 2026-02-02.

Conditions:
Imerslund-Grasbeck syndrome type 1 (IGS1). Also called: Megaloblastic anemia 1, Finnish type; MEGALOBLASTIC ANEMIA, 1; Imerslund-Gräsbeck syndrome 1. Identifiers: MedGen C4016819, MONDO:0100156, OMIM 261100.
Imerslund-Grasbeck syndrome. Also called: Megaloblastic anemia due to inborn errors of metabolism; Imerslund-Gräsbeck syndrome; ENTEROCYTE COBALAMIN MALABSORPTION; ENTEROCYTE INTRINSIC FACTOR RECEPTOR, DEFECT OF; PERNICIOUS ANEMIA, JUVENILE, DUE TO SELECTIVE INTESTINAL MALABSORPTION OF VITAMIN B12, WITH PROTEINURIA. Identifiers: Orphanet 35858, MedGen C4551825, MONDO:0009853.

Allele frequency attached by ClinVar (database versions not stated): gnomAD exomes 0.00147 and 0.00456; gnomAD 0.00159 and 0.00208; TOPMed 0.00268; 1000 Genomes Project 0.00919; 1000 Genomes Project 30x 0.00906; ExAC 0.00411; ESP Exome Variant Server 0.00023.
gnomAD v4.1: 2,692 of 1,614,034 alleles (0.17%); highest among the groups gnomAD compares: East Asian, 2.9%; 36 homozygotes.

Submissions (5):

Labcorp Genetics (formerly Invitae), Labcorp
Classification: Benign for Imerslund-Grasbeck syndrome. Last evaluated: 2026-02-02. Review status: criteria provided, single submitter. Criteria: Invitae Variant Classification Sherloc (09022015). Collection method: clinical testing. Allele origin: germline.

Mayo Clinic Laboratories, Mayo Clinic
Classification: Benign. Last evaluated: 2025-07-23. Review status: criteria provided, single submitter. Criteria: ACMG Guidelines, 2015. Collection method: clinical testing. Allele origin: germline. Observed: 1 variant allele.
Comment: BS1, BS2

GeneDx
Classification: Likely benign. Last evaluated: 2020-07-09. Review status: criteria provided, single submitter. Criteria: GeneDx Variant Classification Process June 2021. Collection method: clinical testing. Allele origin: germline. Affected: yes.

Illumina Laboratory Services, Illumina
Classification: Benign for Imerslund-Grasbeck syndrome type 1. Last evaluated: 2018-01-12. Review status: criteria provided, single submitter. Criteria: ICSL Variant Classification Criteria 13 December 2019. Collection method: clinical testing. Allele origin: germline.
Comment: This variant was observed in the ICSL laboratory as part of a predisposition screen in an ostensibly healthy population. It had not been previously curated by ICSL or reported in the Human Gene Mutation Database (HGMD: prior to June 1st, 2018), and was therefore a candidate for classification through an automated scoring system. Utilizing variant allele frequency, disease prevalence and penetrance estimates, and inheritance mode, an automated score was calculated to assess if this variant is too frequent to cause the disease. Based on the score and internal cut-off values, a variant classified as benign is not then subjected to further curation. The score for this variant resulted in a classification of benign for this disease.

Breakthrough Genomics
Classification: Likely benign. Review status: criteria provided, single submitter. Criteria: ACMG Guidelines, 2015. Collection method: not provided. Allele origin: germline. Inheritance: Autosomal recessive inheritance. Affected: yes.

NM_001081.4(CUBN):c.910G>A (p.Glu304Lys)

Gene: CUBN (cubilin; minus strand). Cytogenetic location: 10p13.
Variant type: single nucleotide variant.
Coding change: c.910G>A on transcript NM_001081.4 (MANE Select); coding-DNA position 910, G replaced by A.
Protein change: p.Glu304Lys; replaces glutamic acid 304 with lysine.
Molecular consequence: missense variant.
Genome position (GRCh38, 1-based): chr10:17,111,024, C>T on the plus strand (G>A on the coding strand, the complement: CUBN is on the minus strand). VCF-style: chr10-17111024-C-T. GRCh37 (hg19) VCF-style: chr10-17153023-C-T.
Other names: p.Glu304Lys; short protein forms E304K.
Identifiers: ClinVar variation 299535 (VCV000299535.24), dbSNP rs78201384, ClinGen allele CA5425466.